The following is an entry in ClinVar:

NM_001048174.2(MUTYH):c.1472G>C (p.Arg491Pro)

Gene: MUTYH (mutY DNA glycosylase; minus strand). Cytogenetic location: 1p34.1.
Variant type: single nucleotide variant.
Coding change: c.1472G>C on transcript NM_001048174.2 (MANE Select); coding-DNA position 1472, G replaced by C.
Protein change: p.Arg491Pro; replaces arginine 491 with proline.
Molecular consequence: missense variant. On other transcripts: non-coding transcript variant (7).
Genome position (GRCh38, 1-based): chr1:45,329,400, C>G on the plus strand (G>C on the coding strand, the complement: MUTYH is on the minus strand). VCF-style: chr1-45329400-C-G. GRCh37 (hg19) VCF-style: chr1-45795072-C-G.
Other names: c.1505G>C, p.Arg502Pro (NM_001407077.1, NM_001293191.2, NM_001407069.1); c.1475G>C, p.Arg492Pro (NM_001407078.1, NM_001407086.1, NM_001048172.2 and 1 more transcripts); c.1433G>C, p.Arg478Pro (NM_001407079.1); c.1430G>C, p.Arg477Pro (NM_001407080.1); c.1472G>C, p.Arg491Pro (NM_001407081.1, NM_001048171.2, NM_001048173.2 and 6 more transcripts); c.1127G>C, p.Arg376Pro (NM_001407082.1, NM_001350650.2, NM_001350651.2); c.1514G>C, p.Arg505Pro (NM_001407083.1, NM_001407085.1); c.1493G>C, p.Arg498Pro (NM_001407087.1); and 5 more; short protein forms R477P, R498P, R506P, R516P, R519P, R492P, R376P, R463P.
Identifiers: ClinVar variation 4113356 (VCV004113356.1).

ClinVar aggregate classification (germline): Uncertain significance (1 of 4 stars; one submission).

Conditions:
Hereditary cancer-predisposing syndrome. Also called: Tumor predisposition; Neoplastic Syndromes, Hereditary; Hereditary neoplastic syndrome; Hereditary Cancer Syndrome. Identifiers: Orphanet 140162, MedGen C0027672, MeSH D009386, MONDO:0015356.

Submission:

Ambry Genetics
Classification: Uncertain significance for Hereditary cancer-predisposing syndrome. Last evaluated: 2025-08-27. Review status: criteria provided, single submitter. Criteria: Ambry Variant Classification Scheme 2023. Collection method: clinical testing. Allele origin: germline.
Comment: The p.R519P variant (also known as c.1556G>C), located in coding exon 16 of the MUTYH gene, results from a G to C substitution at nucleotide position 1556. The arginine at codon 519 is replaced by proline, an amino acid with dissimilar properties. This amino acid position is conserved. In addition, this alteration is predicted to be tolerated by in silico analysis. Based on the available evidence, the clinical significance of this variant remains unclear.